The following is an entry in ClinVar:

NM_001204.7(BMPR2):c.346T>A (p.Cys116Ser)

Gene: BMPR2 (bone morphogenetic protein receptor type 2; plus strand). Cytogenetic location: 2q33.1.
Variant type: single nucleotide variant.
Coding change: c.346T>A on transcript NM_001204.7 (MANE Select); coding-DNA position 346, T replaced by A.
Protein change: p.Cys116Ser; replaces cysteine 116 with serine.
Molecular consequence: missense variant.
Genome position (GRCh38, 1-based): chr2:202,467,617, T>A. VCF-style: chr2-202467617-T-A. GRCh37 (hg19) VCF-style: chr2-203332340-T-A.
Other names: short protein forms C116S.
Identifiers: ClinVar variation 4746079 (VCV004746079.1).

ClinVar aggregate classification (germline): Likely pathogenic (1 of 4 stars; one submission).

Conditions:
Primary pulmonary hypertension. Also called: Idiopathic pulmonary hypertension. Identifiers: MedGen C0152171.

Submission:

Labcorp Genetics (formerly Invitae), Labcorp
Classification: Likely pathogenic for Primary pulmonary hypertension. Last evaluated: 2026-01-10. Review status: criteria provided, single submitter. Criteria: Invitae Variant Classification Sherloc (09022015). Collection method: clinical testing. Allele origin: germline.
Comment: This sequence change replaces cysteine, which is neutral and slightly polar, with serine, which is neutral and polar, at codon 116 of the BMPR2 protein (p.Cys116Ser). This variant is not present in population databases (gnomAD no frequency). This missense change has been observed in individual(s) with pulmonary artery hypertension (PMID: 34966542). Invitae Evidence Modeling of protein sequence and biophysical properties (such as structural, functional, and spatial information, amino acid conservation, physicochemical variation, residue mobility, and thermodynamic stability) indicates that this missense variant is expected to disrupt BMPR2 protein function with a positive predictive value of 95%. This variant disrupts the p.Cys116 amino acid residue in BMPR2. Other variant(s) that disrupt this residue have been observed in individuals with BMPR2-related conditions (PMID: 29650961, 32581362, 33066286, 35346192), which suggests that this may be a clinically significant amino acid residue. In summary, the currently available evidence indicates that the variant is pathogenic, but additional data are needed to prove that conclusively. Therefore, this variant has been classified as Likely Pathogenic.

Literature cited by the submitters: PubMed 34966542; PubMed 29650961; PubMed 32581362; PubMed 33066286; PubMed 35346192.